The following is an entry in ClinVar:

ClinVar aggregate classification (germline): Pathogenic (1 of 4 stars; one submission).

Submission:

Labcorp Genetics (formerly Invitae), Labcorp
Classification: Pathogenic. Last evaluated: 2023-02-03. Review status: criteria provided, single submitter. Criteria: Invitae Variant Classification Sherloc (09022015). Collection method: clinical testing. Allele origin: germline.
Comment: This variant is not present in population databases (gnomAD no frequency). For these reasons, this variant has been classified as Pathogenic. This variant has not been reported in the literature in individuals affected with ESCO2-related conditions. This sequence change creates a premature translational stop signal (p.Asn39Thrfs*19) in the ESCO2 gene. It is expected to result in an absent or disrupted protein product. Loss-of-function variants in ESCO2 are known to be pathogenic (PMID: 15821733, 16380922).

Literature cited by the submitters: PubMed 15821733; PubMed 16380922.

NM_001017420.3(ESCO2):c.116del (p.Asn39fs)

Gene: ESCO2 (establishment of sister chromatid cohesion N-acetyltransferase 2; plus strand). Cytogenetic location: 8p21.1.
Variant type: Deletion.
Coding change: c.116del on transcript NM_001017420.3 (MANE Select); coding-DNA position 116, one base deleted (A; older notation c.116delA).
Protein change: p.Asn39fs; shifts the reading frame from asparagine 39.
Molecular consequence: frameshift variant.
Genome position (GRCh38, 1-based): chr8:27,776,424, A deleted; the last of 4 consecutive A bases (chr8:27,776,421-27,776,424); deleting any one gives the same sequence. VCF-style (leftmost placement, unchanged base first): chr8-27776420-CA-C. GRCh37 (hg19) VCF-style: chr8-27633937-CA-C.
Other names: short protein forms N39fs.
Identifiers: ClinVar variation 2834329 (VCV002834329.3), dbSNP rs1585389705, ClinGen allele CA1772944797.